The following is an entry in ClinVar:

NM_198506.5(LRIT3):c.1455C>T (p.Ala485=)

Gene: LRIT3 (leucine rich repeat, Ig-like and transmembrane domains 3; plus strand). Cytogenetic location: 4q25.
Variant type: single nucleotide variant.
Coding change: c.1455C>T on transcript NM_198506.5 (MANE Select); coding-DNA position 1455, C replaced by T.
Protein change: p.Ala485=; no amino-acid change (alanine 485 retained).
Molecular consequence: synonymous variant.
Genome position (GRCh38, 1-based): chr4:109,870,204, C>T. VCF-style: chr4-109870204-C-T. GRCh37 (hg19) VCF-style: chr4-110791360-C-T.
Identifiers: ClinVar variation 347194 (VCV000347194.39), dbSNP rs149304853, ClinGen allele CA3043190.

ClinVar aggregate classification (germline): Likely benign. Review status: criteria provided, multiple submitters, no conflicts (2 of 4 stars). 3 submissions from 3 submitters: Likely benign (3). Last evaluated 2026-01-23.

Allele frequency attached by ClinVar (database versions not stated): ESP Exome Variant Server 0.00138; TOPMed 0.00141; ExAC 0.00142; gnomAD exomes 0.00147 and 0.00171; gnomAD 0.00163 and 0.00168.
gnomAD v4.1: 2,736 of 1,614,038 alleles (0.17%); highest among the groups gnomAD compares: Admixed American, 0.25%; 4 homozygotes.

Submissions (3):

Labcorp Genetics (formerly Invitae), Labcorp
Classification: Likely benign. Last evaluated: 2026-01-23. Review status: criteria provided, single submitter. Criteria: Invitae Variant Classification Sherloc (09022015). Collection method: clinical testing. Allele origin: germline.

Blueprint Genetics
Classification: Likely benign. Last evaluated: 2024-11-19. Review status: criteria provided, single submitter. Criteria: ACMG Guidelines, 2015. Collection method: clinical testing. Allele origin: germline.

CeGaT Center for Human Genetics Tuebingen
Classification: Likely benign. Last evaluated: 2023-09-01. Review status: criteria provided, single submitter. Criteria: CeGaT Center For Human Genetics Tuebingen Variant Classification Criteria Version 2. Collection method: clinical testing. Allele origin: germline. Affected: yes. Observed: 2 variant alleles.
Comment: LRIT3: BP4